The following is an entry in ClinVar:

NM_015072.5(TTLL5):c.2155C>T (p.Leu719Phe)

Gene: TTLL5 (tubulin tyrosine ligase like 5; plus strand). Cytogenetic location: 14q24.3.
Variant type: single nucleotide variant.
Coding change: c.2155C>T on transcript NM_015072.5 (MANE Select); coding-DNA position 2155, C replaced by T.
Protein change: p.Leu719Phe; replaces leucine 719 with phenylalanine.
Molecular consequence: missense variant.
Genome position (GRCh38, 1-based): chr14:75,775,502, C>T. VCF-style: chr14-75775502-C-T. GRCh37 (hg19) VCF-style: chr14-76241845-C-T.
Other names: short protein forms L719F.
Identifiers: ClinVar variation 1501445 (VCV001501445.6), dbSNP rs2140317194, ClinGen allele CA390469095.

ClinVar aggregate classification (germline): Uncertain significance (1 of 4 stars; one submission).

Allele frequency attached by ClinVar (database versions not stated): gnomAD exomes below 0.00001.
gnomAD v4.1: 1 of 1,613,744 alleles (0.000062%); highest among the groups gnomAD compares: African/African-American, 0.0013%; no homozygotes.

Submission:

Labcorp Genetics (formerly Invitae), Labcorp
Classification: Uncertain significance. Last evaluated: 2021-10-07. Review status: criteria provided, single submitter. Criteria: Invitae Variant Classification Sherloc (09022015). Collection method: clinical testing. Allele origin: germline.
Comment: In summary, the available evidence is currently insufficient to determine the role of this variant in disease. Therefore, it has been classified as a Variant of Uncertain Significance. Algorithms developed to predict the effect of missense changes on protein structure and function are either unavailable or do not agree on the potential impact of this missense change (SIFT: "Deleterious"; PolyPhen-2: "Probably Damaging"; Align-GVGD: "Class C0"). This variant has not been reported in the literature in individuals affected with TTLL5-related conditions. This variant is not present in population databases (ExAC no frequency). This sequence change replaces leucine with phenylalanine at codon 719 of the TTLL5 protein (p.Leu719Phe). The leucine residue is highly conserved and there is a small physicochemical difference between leucine and phenylalanine.